The following is an entry in ClinVar:

ClinVar aggregate classification (germline): Conflicting classifications of pathogenicity. Review status: criteria provided, conflicting classifications (1 of 4 stars). 2 submissions from 2 submitters: Pathogenic (1); Uncertain significance (1). Last evaluated 2022-05-04.

Allele frequency attached by ClinVar (database versions not stated): gnomAD exomes below 0.00001 and 0.00002; TOPMed below 0.00001; ESP Exome Variant Server 0.00008.

Submissions (2):

Mendelics
Classification: Uncertain significance. Last evaluated: 2022-05-04. Review status: criteria provided, single submitter. Criteria: Mendelics Assertion Criteria 2019. Collection method: clinical testing. Allele origin: germline.

Labcorp Genetics (formerly Invitae), Labcorp
Classification: Pathogenic. Last evaluated: 2021-08-11. Review status: criteria provided, single submitter. Criteria: Invitae Variant Classification Sherloc (09022015). Collection method: clinical testing. Allele origin: germline.
Comment: This sequence change replaces proline with serine at codon 235 of the UROD protein (p.Pro235Ser). The proline residue is highly conserved and there is a moderate physicochemical difference between proline and serine. This variant is not present in population databases (ExAC no frequency). This missense change has been observed in individual(s) with hepatoerythropoietic porphyria and/or porphyria cutanea tarda (PMID: 11295834, 18462440). In at least one individual the data is consistent with the variant being in trans (on the opposite chromosome) from a pathogenic variant. It has also been observed to segregate with disease in related individuals. Algorithms developed to predict the effect of missense changes on protein structure and function are either unavailable or do not agree on the potential impact of this missense change (SIFT: "Deleterious"; PolyPhen-2: "Possibly Damaging"; Align-GVGD: "Class C0"). For these reasons, this variant has been classified as Pathogenic.

Literature cited by the submitters: PubMed 11295834 (cited by Labcorp Genetics (formerly Invitae), Labcorp); PubMed 18462440 (cited by Labcorp Genetics (formerly Invitae), Labcorp).

NM_000374.5(UROD):c.703C>T (p.Pro235Ser)

Gene: UROD (uroporphyrinogen decarboxylase; plus strand). Cytogenetic location: 1p34.1.
Variant type: single nucleotide variant.
Coding change: c.703C>T on transcript NM_000374.5 (MANE Select); coding-DNA position 703, C replaced by T.
Protein change: p.Pro235Ser; replaces proline 235 with serine.
Molecular consequence: missense variant. On other transcripts: non-coding transcript variant (3).
Genome position (GRCh38, 1-based): chr1:45,014,505, C>T. VCF-style: chr1-45014505-C-T. GRCh37 (hg19) VCF-style: chr1-45480177-C-T.
Other names: short protein forms P235S.
Identifiers: ClinVar variation 1457610 (VCV001457610.7), dbSNP rs141312224, ClinGen allele CA21796194.
Genomic context (GRCh38, chr1:45,014,505, plus strand): 5'-CAGCTGTTTGAGTCCCATGCAGGGCATCTTGGCCCACAGCTCTTCAACAAGTTTGCACTG[C>T]CTTACATCCGTGATGTGGCCAAGCAAGTGAAGGCCAGGTTGCGGGAGGCAGGCCTGGCAC-3'
Protein context (NP_000365.3, residues 225-245): GPQLFNKFAL[Pro235Ser]YIRDVAKQVK